The following is an entry in ClinVar:

ClinVar aggregate classification (germline): Uncertain significance (1 of 4 stars; one submission).

Submission:

Labcorp Genetics (formerly Invitae), Labcorp
Classification: Uncertain significance. Last evaluated: 2025-09-24. Review status: criteria provided, single submitter. Criteria: Invitae Variant Classification Sherloc (09022015). Collection method: clinical testing. Allele origin: germline.
Comment: This sequence change replaces valine, which is neutral and non-polar, with leucine, which is neutral and non-polar, at codon 9 of the ALPK3 protein (p.Val9Leu). Information on the frequency of this variant in the gnomAD database is not available, as this variant may be reported differently in the database. This variant has not been reported in the literature in individuals affected with ALPK3-related conditions. ClinVar contains an entry for this variant (Variation ID: 2873787). Experimental studies and prediction algorithms are not available or were not evaluated, and the functional significance of this variant is currently unknown. In summary, the available evidence is currently insufficient to determine the role of this variant in disease. Therefore, it has been classified as a Variant of Uncertain Significance.

NC_000015.10:g.84816870_84816871delinsCC

Gene: ALPK3 (alpha kinase 3; plus strand). Cytogenetic location: 15q25.3.
Variant type: Indel.
Genome position: GRCh38 VCF-style: chr15-84816870-TG-CC. GRCh37 (hg19) VCF-style: chr15-85360101-TG-CC.
Identifiers: ClinVar variation 2873787 (VCV002873787.3), dbSNP rs2505687870, ClinGen allele CA2739269623.